The following is an entry in ClinVar:

ClinVar aggregate classification (germline): Conflicting classifications of pathogenicity. Review status: criteria provided, conflicting classifications (1 of 4 stars). 5 submissions from 5 submitters: Likely pathogenic (1); Uncertain significance (4). Last evaluated 2025-09-24.

Conditions:
Progressive myoclonic epilepsy type 3. Also called: EPILEPSY, PROGRESSIVE MYOCLONIC, 3, WITHOUT INTRACELLULAR INCLUSIONS; KCTD7-Related Progressive Myoclonic Epilepsy; EPILEPSY, PROGRESSIVE MYOCLONIC, 3, WITH OR WITHOUT INTRACELLULAR INCLUSIONS; CEROID LIPOFUSCINOSIS, NEURONAL, 14. Identifiers: Orphanet 263516, MedGen C2673257, MONDO:0012721, OMIM 611726.

Allele frequency attached by ClinVar (database versions not stated): gnomAD exomes below 0.00001; TOPMed below 0.00001; ExAC 0.00001.
gnomAD v4.1: 6 of 1,614,090 alleles (0.00037%); highest among the groups gnomAD compares: Non-Finnish European, 0.00051%; no homozygotes.

Submissions (5):

Genesolutions, Medical Genetics Institutes, Ho Chi Minh City, Vietnam
Classification: Uncertain significance for Progressive myoclonic epilepsy type 3. Last evaluated: 2025-09-24. Review status: criteria provided, single submitter. Criteria: ACMG Guidelines, 2015. Collection method: clinical testing. Allele origin: germline. Affected: yes.

GeneDx
Classification: Uncertain significance. Last evaluated: 2022-06-06. Review status: criteria provided, single submitter. Criteria: GeneDx Variant Classification Process June 2021. Collection method: clinical testing. Allele origin: germline. Affected: yes.
Comment: Reported in an individual with epilepsy who harbored a second KCTD7 variant, however, segregation information was not provided (Butler et al., 2017); Not observed at significant frequency in large population cohorts (gnomAD); In silico analysis supports that this missense variant does not alter protein structure/function; This variant is associated with the following publications: (PMID: 29056246)

Victorian Clinical Genetics Services, Murdoch Childrens Research Institute
Classification: Likely pathogenic for Progressive myoclonic epilepsy type 3. Last evaluated: 2022-02-02. Review status: criteria provided, single submitter. Criteria: ACMG Guidelines, 2015. Collection method: clinical testing. Allele origin: germline. Inheritance: Autosomal recessive inheritance. Affected: yes.
Comment: Based on the classification scheme VCGS_Germline_v1.3.4, this variant is classified as Likely Pathogenic. Following criteria are met: 0102 - Loss of function is a known mechanism of disease in this gene and is associated with PME (MIM#611726). (I) 0106 - This gene is associated with autosomal recessive disease. (I) 0200 - Variant is predicted to result in a missense amino acid change from glycine to arginine. (I) 0251 - This variant is heterozygous. (I) 0304 - Variant is present in gnomAD (v2) <0.01 for a recessive condition (1 heterozygote, 0 homozygotes). (SP) 0501 - Missense variant with conflicting in silico predictions, but highly conserved with a major amino acid change. (SP) 0604 - Variant is not located in an established domain, motif, or informative constraint region. However, it is located within a cluster of variants identified in individuals with PME (MIM#611726) (PMID: 30295347). (I) 0705 - No comparable missense variants have previous evidence for pathogenicity. (I) 0809 - Previous evidence of pathogenicity for this variant is inconclusive. The variant has previously been observed in a compound heterozygous state in one individual with progressive myoclonic epilepsy 3 (PME; MIM#611726) and was classified as a VUS (ClinVar, PMID: 29056246). (I) 0905 - No published segregation evidence has been identified for this variant. (I) 1007 - No published functional evidence has been identified for this variant. (I) 1201 - Heterozygous variant detected in trans with a pathogenic heterozygous variant (NM_153033.4(KCTD7):c.631C>T; p.(Arg211*)) in a recessive disease. (SP) 1208 - Inheritance information for this variant is not currently available in this individual. (I) Legend: (SP) - Supporting pathogenic, (I) - Information, (SB) - Supporting benign

Labcorp Genetics (formerly Invitae), Labcorp
Classification: Uncertain significance for Progressive myoclonic epilepsy type 3. Last evaluated: 2021-10-20. Review status: criteria provided, single submitter. Criteria: Invitae Variant Classification Sherloc (09022015). Collection method: clinical testing. Allele origin: germline.
Comment: This sequence change replaces glycine with arginine at codon 265 of the KCTD7 protein (p.Gly265Arg). The glycine residue is highly conserved and there is a moderate physicochemical difference between glycine and arginine. This variant is present in population databases (rs200415747, ExAC 0.002%). This missense change has been observed in individual(s) with clinical features of KCTD7-related conditions (PMID: 29056246). ClinVar contains an entry for this variant (Variation ID: 197381). Algorithms developed to predict the effect of missense changes on protein structure and function (SIFT, PolyPhen-2, Align-GVGD) all suggest that this variant is likely to be disruptive. In summary, the available evidence is currently insufficient to determine the role of this variant in disease. Therefore, it has been classified as a Variant of Uncertain Significance.

Eurofins Ntd Llc (ga)
Classification: Uncertain significance. Last evaluated: 2016-11-07. Review status: criteria provided, single submitter. Criteria: EGL Classification Definitions 2015. Collection method: clinical testing. Allele origin: germline. Observed: 2 variant alleles, 2 heterozygotes.

Literature cited by the submitters: PubMed 29056246 (cited by Victorian Clinical Genetics Services, Murdoch Childrens Research Institute and Labcorp Genetics (formerly Invitae), Labcorp); PubMed 30295347 (cited by Victorian Clinical Genetics Services, Murdoch Childrens Research Institute).

NM_153033.5(KCTD7):c.793G>A (p.Gly265Arg)

Gene: KCTD7 (potassium channel tetramerization domain containing 7; plus strand). Cytogenetic location: 7q11.21.
Variant type: single nucleotide variant.
Coding change: c.793G>A on transcript NM_153033.5 (MANE Select); coding-DNA position 793, G replaced by A.
Protein change: p.Gly265Arg; replaces glycine 265 with arginine.
Molecular consequence: missense variant.
Genome position (GRCh38, 1-based): chr7:66,639,155, G>A. VCF-style: chr7-66639155-G-A. GRCh37 (hg19) VCF-style: chr7-66104142-G-A.
Other names: c.793G>A, p.Gly265Arg (NM_001167961.2); short protein forms G265R.
Identifiers: ClinVar variation 197381 (VCV000197381.12), dbSNP rs200415747, ClinGen allele CA245487.